The following is an entry in ClinVar:

ClinVar aggregate classification (germline): Uncertain significance (1 of 4 stars; one submission).

Conditions:
Charcot-Marie-Tooth disease type 4. Also called: Charcot-Marie-Tooth disease, type IV; Charcot-Marie-Tooth, Type 4. Identifiers: Orphanet 64749, MedGen C4082197, MONDO:0018995.

Submission:

Labcorp Genetics (formerly Invitae), Labcorp
Classification: Uncertain significance for Charcot-Marie-Tooth disease type 4. Last evaluated: 2021-03-01. Review status: criteria provided, single submitter. Criteria: Invitae Variant Classification Sherloc (09022015). Collection method: clinical testing. Allele origin: germline.
Comment: This sequence change replaces asparagine with lysine at codon 643 of the FGD4 protein (p.Asn643Lys). The asparagine residue is highly conserved and there is a moderate physicochemical difference between asparagine and lysine. This variant is not present in population databases (ExAC no frequency). This variant has not been reported in the literature in individuals with FGD4-related disease. Algorithms developed to predict the effect of missense changes on protein structure and function do not agree on the potential impact of this missense change (SIFT: "Deleterious"; PolyPhen-2: "Possibly Damaging"; Align-GVGD: "Class C65"). In summary, the available evidence is currently insufficient to determine the role of this variant in disease. Therefore, it has been classified as a Variant of Uncertain Significance.

NM_001370298.3(FGD4):c.2340C>A (p.Asn780Lys)

Gene: FGD4 (FYVE, RhoGEF and PH domain containing 4; plus strand). Cytogenetic location: 12p11.21.
Variant type: single nucleotide variant.
Coding change: c.2340C>A on transcript NM_001370298.3 (MANE Select); coding-DNA position 2340, C replaced by A.
Protein change: p.Asn780Lys; replaces asparagine 780 with lysine.
Molecular consequence: missense variant.
Genome position (GRCh38, 1-based): chr12:32,638,681, C>A. VCF-style: chr12-32638681-C-A. GRCh37 (hg19) VCF-style: chr12-32791615-C-A.
Other names: c.2184C>A, p.Asn728Lys (NM_001304481.2); c.1185C>A, p.Asn395Lys (NM_001304483.2); c.897C>A, p.Asn299Lys (NM_001304484.2); c.1650C>A, p.Asn550Lys (NM_001330373.2, NM_001330374.2, NM_001384130.1); c.1377C>A, p.Asn459Lys (NM_001370297.1); c.2340C>A, p.Asn780Lys (NM_001384126.1); c.1929C>A, p.Asn643Lys (NM_001384127.1, NM_001384128.1, NM_001385118.1 and 1 more transcripts); short protein forms N643K, N728K, N395K, N459K, N550K, N299K, N780K.
Identifiers: ClinVar variation 543368 (VCV000543368.8), dbSNP rs1555224749, ClinGen allele CA384371943.